The following is an entry in ClinVar:

NM_000388.4(CASR):c.770A>G (p.Glu257Gly)

Gene: CASR (calcium sensing receptor; plus strand). Cytogenetic location: 3q21.1.
Variant type: single nucleotide variant.
Coding change: c.770A>G on transcript NM_000388.4 (MANE Select); coding-DNA position 770, A replaced by G.
Protein change: p.Glu257Gly; replaces glutamic acid 257 with glycine.
Molecular consequence: missense variant.
Genome position (GRCh38, 1-based): chr3:122,261,805, A>G. VCF-style: chr3-122261805-A-G. GRCh37 (hg19) VCF-style: chr3-121980652-A-G.
Other names: c.770A>G, p.Glu257Gly (NM_001178065.2); short protein forms E257G.
Identifiers: ClinVar variation 1760250 (VCV001760250.2), dbSNP rs748264118, ClinGen allele CA2569532.

ClinVar aggregate classification (germline): Uncertain significance (1 of 4 stars; one submission).

Conditions:
Nephrolithiasis/nephrocalcinosis. Identifiers: MedGen CN580796.

Allele frequency attached by ClinVar (database versions not stated): gnomAD exomes below 0.00001; TOPMed below 0.00001; ExAC 0.00001.

Submission:

Ambry Genetics
Classification: Uncertain significance for Nephrolithiasis/nephrocalcinosis. Last evaluated: 2022-05-09. Review status: criteria provided, single submitter. Criteria: Ambry Variant Classification Scheme 2023. Collection method: clinical testing. Allele origin: germline.
Comment: The p.E257G variant (also known as c.770A>G), located in coding exon 3 of the CASR gene, results from an A to G substitution at nucleotide position 770. The glutamic acid at codon 257 is replaced by glycine, an amino acid with similar properties. This amino acid position is conserved. In addition, the in silico prediction for this alteration is inconclusive. Since supporting evidence is limited at this time, the clinical significance of this alteration remains unclear.